The following is an entry in ClinVar:

ClinVar aggregate classification (germline): Conflicting classifications of pathogenicity. Review status: criteria provided, conflicting classifications (1 of 4 stars). 6 submissions from 6 submitters: Uncertain significance (4); Likely benign (1). 1 of the submissions does not count toward it. Last evaluated 2025-07-29.

Conditions:
Hereditary cancer-predisposing syndrome. Also called: Hereditary Cancer Syndrome; Neoplastic Syndromes, Hereditary; Hereditary neoplastic syndrome; Tumor predisposition. Identifiers: Orphanet 140162, MedGen C0027672, MeSH D009386, MONDO:0015356.
Hereditary breast ovarian cancer syndrome. Also called: Breast and ovarian cancer; Hereditary breast and/or ovarian cancer syndrome; Hereditary breast and ovarian cancer; Hereditary breast and ovarian cancer syndrome; Hereditary breast and ovarian cancer syndrome (HBOC); BRCA1- and BRCA2-Associated Hereditary Breast and Ovarian Cancer. Identifiers: Orphanet 145, MedGen C0677776, MeSH D061325, MONDO:0003582. Disease mechanism: loss of function.
Breast-ovarian cancer, familial, susceptibility to, 2 (BROVCA2). Also called: BRCA2 Hereditary Breast and Ovarian Cancer. Identifiers: Orphanet 145, MedGen C2675520, MONDO:0012933, OMIM 612555. Disease mechanism: loss of function.

gnomAD v4.1: 2 of 1,610,716 alleles (0.00012%); highest among the groups gnomAD compares: Non-Finnish European, 0.000085%; no homozygotes.

Submissions (6):

Color Diagnostics, LLC DBA Color Health
Classification: Uncertain significance for Hereditary cancer-predisposing syndrome. Last evaluated: 2025-07-29. Review status: criteria provided, single submitter. Criteria: ACMG Guidelines, 2015. Collection method: clinical testing. Allele origin: germline.
Comment: This missense variant replaces leucine with methionine at codon 1234 of the BRCA2 protein. Computational prediction is inconclusive regarding the impact of this variant on protein structure and function. To our knowledge, functional studies have not been reported for this variant. This variant has been reported in an individual affected with breast cancer (PMID: 25186627). This variant has not been identified in the general population by the Genome Aggregation Database (gnomAD). The available evidence is insufficient to determine the role of this variant in disease conclusively. Therefore, this variant is classified as a Variant of Uncertain Significance.

Labcorp Genetics (formerly Invitae), Labcorp
Classification: Uncertain significance for Hereditary breast ovarian cancer syndrome. Last evaluated: 2025-06-29. Review status: criteria provided, single submitter. Criteria: Invitae Variant Classification Sherloc (09022015). Collection method: clinical testing. Allele origin: germline.
Comment: This sequence change replaces leucine, which is neutral and non-polar, with methionine, which is neutral and non-polar, at codon 1234 of the BRCA2 protein (p.Leu1234Met). This variant is not present in population databases (gnomAD no frequency). This variant has not been reported in the literature in individuals affected with BRCA2-related conditions. ClinVar contains an entry for this variant (Variation ID: 96797). Invitae Evidence Modeling of protein sequence and biophysical properties (such as structural, functional, and spatial information, amino acid conservation, physicochemical variation, residue mobility, and thermodynamic stability) indicates that this missense variant is not expected to disrupt BRCA2 protein function with a negative predictive value of 95%. In summary, the available evidence is currently insufficient to determine the role of this variant in disease. Therefore, it has been classified as a Variant of Uncertain Significance.

Ambry Genetics
Classification: Uncertain significance for Hereditary cancer-predisposing syndrome. Last evaluated: 2024-01-20. Review status: criteria provided, single submitter. Criteria: Ambry Variant Classification Scheme 2023. Collection method: clinical testing. Allele origin: germline.
Comment: The p.L1234M variant (also known as c.3700C>A), located in coding exon 10 of the BRCA2 gene, results from a C to A substitution at nucleotide position 3700. The leucine at codon 1234 is replaced by methionine, an amino acid with highly similar properties. This amino acid position is well conserved in available vertebrate species. In addition, the in silico prediction for this alteration is inconclusive. Since supporting evidence is limited at this time, the clinical significance of this alteration remains unclear.

University of Washington Department of Laboratory Medicine, University of Washington
Classification: Likely benign for Hereditary cancer-predisposing syndrome. Last evaluated: 2023-03-23. Review status: criteria provided, single submitter. Criteria: Dines et al. (Genet Med. 2020). Collection method: curation. Allele origin: germline.
Comment: Missense variant in a coldspot region where missense variants are very unlikely to be pathogenic (PMID:31911673).

BRCA2 exon 11 coldspot. Reclassification based on statistical prior probability.

Quest Diagnostics Nichols Institute San Juan Capistrano
Classification: Uncertain significance. Last evaluated: 2017-10-18. Review status: criteria provided, single submitter. Criteria: Quest Diagnostics criteria. Collection method: clinical testing. Allele origin: germline.

Sharing Clinical Reports Project (SCRP)
Classification: Uncertain significance for Breast-ovarian cancer, familial 2. Last evaluated: 2012-05-01. Review status: no assertion criteria provided. Collection method: clinical testing. Allele origin: germline. Not counted in ClinVar's aggregate classification.

Literature cited by the submitters: PubMed 25186627 (cited by Color Diagnostics, LLC DBA Color Health and Ambry Genetics); PubMed 29884841 (cited by Ambry Genetics).

NM_000059.4(BRCA2):c.3700C>A (p.Leu1234Met)

Gene: BRCA2 (BRCA2 DNA repair associated; plus strand). Cytogenetic location: 13q13.1.
Variant type: single nucleotide variant.
Coding change: c.3700C>A on transcript NM_000059.4 (MANE Select); coding-DNA position 3700, C replaced by A.
Protein change: p.Leu1234Met; replaces leucine 1234 with methionine.
Molecular consequence: missense variant.
Genome position (GRCh38, 1-based): chr13:32,338,055, C>A. VCF-style: chr13-32338055-C-A. GRCh37 (hg19) VCF-style: chr13-32912192-C-A.
Other names: 3928C>A; short protein forms L1234M.
Identifiers: ClinVar variation 96797 (VCV000096797.22), dbSNP rs431825311, ClinGen allele CA018608.